The following is an entry in ClinVar:

NM_000350.3(ABCA4):c.4149del (p.Phe1383fs)

Gene: ABCA4 (ATP binding cassette subfamily A member 4; minus strand). Cytogenetic location: 1p22.1.
Variant type: Deletion.
Coding change: c.4149del on transcript NM_000350.3 (MANE Select); coding-DNA position 4149, one base deleted (T; older notation c.4149delT).
Protein change: p.Phe1383fs; shifts the reading frame from phenylalanine 1383.
Molecular consequence: frameshift variant.
Genome position (GRCh38, 1-based): chr1:94,031,100, A deleted on the plus strand (T on the coding strand, the reverse complement: ABCA4 is on the minus strand); the first of 3 consecutive A bases (chr1:94,031,100-94,031,102); deleting any one gives the same sequence. VCF-style (leftmost placement, unchanged base first): chr1-94031099-CA-C. GRCh37 (hg19) VCF-style: chr1-94496655-CA-C.
Other names: c.3927del, p.Phe1309fs (NM_001425324.1); short protein forms F1309fs, F1383fs.
Identifiers: ClinVar variation 3767363 (VCV003767363.1).
Genomic context (GRCh38, chr1:94,031,099, plus strand): 5'-TCAAAGCGGGGTATTCGCCAAAAGGAGGGATAACAATAGAAAGCATCAGAGCCAAAAACA[CA>C]AAGGTAGCCGGGAGCACGATCTGTGGGAGAATAGACGTGGAATAAACATGACTGTGGCAT-3'

ClinVar aggregate classification (germline): Likely pathogenic (1 of 4 stars; one submission).

Conditions:
Severe early-childhood-onset retinal dystrophy (STGD1). Also called: Stargardt macular dystrophy; Juvenile onset macular degeneration; Stargardt disease 1; MACULAR DYSTROPHY WITH FLECKS, TYPE 1; STGD. Identifiers: Orphanet 364055, Orphanet 827, MedGen C1855465, MeSH D000080362, MONDO:0009549, OMIM 248200.

Submission:

SingHealth Duke-NUS Institute of Precision Medicine
Classification: Likely pathogenic for Severe early-childhood-onset retinal dystrophy. Last evaluated: 2025-02-05. Review status: criteria provided, single submitter. Criteria: PRISM ACMG Classification Criteria. Collection method: clinical testing. Allele origin: germline. Affected: yes.
Comment: Null variant is predicted to cause nonsense-mediated decay in a gene where LOF is a known cause of pathogenicity (PVS1). Variant is not found in gnomAD exomes and genomes (PM2)